The following is an entry in ClinVar:

NM_000264.5(PTCH1):c.708G>A (p.Trp236Ter)

Gene: PTCH1 (patched 1; minus strand). Cytogenetic location: 9q22.32.
Variant type: single nucleotide variant.
Coding change: c.708G>A on transcript NM_000264.5 (MANE Select); coding-DNA position 708, G replaced by A.
Protein change: p.Trp236Ter; replaces tryptophan 236 with a stop codon.
Molecular consequence: nonsense. On other transcripts: non-coding transcript variant (1).
Genome position (GRCh38, 1-based): chr9:95,481,987, C>T on the plus strand (G>A on the coding strand, the complement: PTCH1 is on the minus strand). VCF-style: chr9-95481987-C-T. GRCh37 (hg19) VCF-style: chr9-98244269-C-T.
Other names: c.510G>A, p.Trp170Ter (NM_001083602.3, NM_001354919.2); c.705G>A, p.Trp235Ter (NM_001083603.3); c.255G>A, p.Trp85Ter (NM_001083604.3, NM_001083605.3, NM_001083606.3 and 1 more transcripts); c.708G>A, p.Trp236Ter (NM_001354918.2); short protein forms W236*, W170*, W235*, W85*.
Identifiers: ClinVar variation 409184 (VCV000409184.9), dbSNP rs1060502287, ClinGen allele CA16612778.

ClinVar aggregate classification (germline): Pathogenic (1 of 4 stars; one submission).

Conditions:
Gorlin syndrome. Also called: Nevoid Basal Cell Carcinoma Syndrome; Basal cell nevus syndrome. Identifiers: Orphanet 377, MedGen C0004779, MONDO:0007187.

Submission:

Labcorp Genetics (formerly Invitae), Labcorp
Classification: Pathogenic for Gorlin syndrome. Last evaluated: 2023-01-14. Review status: criteria provided, single submitter. Criteria: Invitae Variant Classification Sherloc (09022015). Collection method: clinical testing. Allele origin: germline.
Comment: For these reasons, this variant has been classified as Pathogenic. ClinVar contains an entry for this variant (Variation ID: 409184). This variant has not been reported in the literature in individuals affected with PTCH1-related conditions. This variant is not present in population databases (gnomAD no frequency). This sequence change creates a premature translational stop signal (p.Trp236*) in the PTCH1 gene. It is expected to result in an absent or disrupted protein product. Loss-of-function variants in PTCH1 are known to be pathogenic (PMID: 16301862, 16419085).

Literature cited by the submitters: PubMed 16301862; PubMed 16419085.